The following is an entry in ClinVar:

NM_000059.4(BRCA2):c.5033A>C (p.Lys1678Thr)

Gene: BRCA2 (BRCA2 DNA repair associated; plus strand). Cytogenetic location: 13q13.1.
Variant type: single nucleotide variant.
Coding change: c.5033A>C on transcript NM_000059.4 (MANE Select); coding-DNA position 5033, A replaced by C.
Protein change: p.Lys1678Thr; replaces lysine 1678 with threonine.
Molecular consequence: missense variant.
Genome position (GRCh38, 1-based): chr13:32,339,388, A>C. VCF-style: chr13-32339388-A-C. GRCh37 (hg19) VCF-style: chr13-32913525-A-C.
Other names: short protein forms K1678T.
Identifiers: ClinVar variation 433790 (VCV000433790.19), dbSNP rs28897733, ClinGen allele CA247508914.

ClinVar aggregate classification (germline): Conflicting classifications of pathogenicity. Review status: criteria provided, conflicting classifications (1 of 4 stars). 5 submissions from 5 submitters: Uncertain significance (3); Likely benign (1). 1 of the submissions does not count toward it. Last evaluated 2025-03-04.

Conditions:
Breast-ovarian cancer, familial, susceptibility to, 2 (BROVCA2). Also called: BRCA2 Hereditary Breast and Ovarian Cancer. Identifiers: Orphanet 145, MedGen C2675520, MONDO:0012933, OMIM 612555. Disease mechanism: loss of function.
Hereditary cancer-predisposing syndrome. Also called: Hereditary neoplastic syndrome; Tumor predisposition; Neoplastic Syndromes, Hereditary; Hereditary Cancer Syndrome. Identifiers: Orphanet 140162, MedGen C0027672, MeSH D009386, MONDO:0015356.
Hereditary breast ovarian cancer syndrome. Also called: BRCA1- and BRCA2-Associated Hereditary Breast and Ovarian Cancer; Hereditary breast and/or ovarian cancer syndrome; Hereditary breast and ovarian cancer; Hereditary breast and ovarian cancer syndrome; Hereditary breast and ovarian cancer syndrome (HBOC); Breast and ovarian cancer. Identifiers: Orphanet 145, MedGen C0677776, MeSH D061325, MONDO:0003582. Disease mechanism: loss of function.

Allele frequency attached by ClinVar (database versions not stated): gnomAD exomes below 0.00001.
gnomAD v4.1: 1 of 1,595,664 alleles (0.000063%); highest among the groups gnomAD compares: Non-Finnish European, 0.000085%; no homozygotes.

Submissions (5):

Color Diagnostics, LLC DBA Color Health
Classification: Uncertain significance for Hereditary cancer-predisposing syndrome. Last evaluated: 2025-03-04. Review status: criteria provided, single submitter. Criteria: ACMG Guidelines, 2015. Collection method: clinical testing. Allele origin: germline.
Comment: This missense variant replaces lysine with threonine at codon 1678 of the BRCA2 protein. Computational prediction suggests that this variant may not impact protein structure and function. To our knowledge, functional studies have not been reported for this variant. This variant has not been reported in individuals affected with BRCA2-related disorders in the literature. This variant has not been identified in the general population by the Genome Aggregation Database (gnomAD). The available evidence is insufficient to determine the role of this variant in disease conclusively. Therefore, this variant is classified as a Variant of Uncertain Significance.

Labcorp Genetics (formerly Invitae), Labcorp
Classification: Uncertain significance for Hereditary breast ovarian cancer syndrome. Last evaluated: 2024-11-04. Review status: criteria provided, single submitter. Criteria: Invitae Variant Classification Sherloc (09022015). Collection method: clinical testing. Allele origin: germline.
Comment: This sequence change replaces lysine, which is basic and polar, with threonine, which is neutral and polar, at codon 1678 of the BRCA2 protein (p.Lys1678Thr). This variant is not present in population databases (gnomAD no frequency). This variant has not been reported in the literature in individuals affected with BRCA2-related conditions. ClinVar contains an entry for this variant (Variation ID: 433790). Invitae Evidence Modeling of protein sequence and biophysical properties (such as structural, functional, and spatial information, amino acid conservation, physicochemical variation, residue mobility, and thermodynamic stability) indicates that this missense variant is not expected to disrupt BRCA2 protein function with a negative predictive value of 95%. In summary, the available evidence is currently insufficient to determine the role of this variant in disease. Therefore, it has been classified as a Variant of Uncertain Significance.

University of Washington Department of Laboratory Medicine, University of Washington
Classification: Likely benign for Hereditary cancer-predisposing syndrome. Last evaluated: 2023-03-23. Review status: criteria provided, single submitter. Criteria: Dines et al. (Genet Med. 2020). Collection method: curation. Allele origin: germline.
Comment: Missense variant in a coldspot region where missense variants are very unlikely to be pathogenic (PMID:31911673).

BRCA2 exon 11 coldspot. Reclassification based on statistical prior probability.

Ambry Genetics
Classification: Uncertain significance for Hereditary cancer-predisposing syndrome. Last evaluated: 2023-02-27. Review status: criteria provided, single submitter. Criteria: Ambry Variant Classification Scheme 2023. Collection method: clinical testing. Allele origin: germline.
Comment: The p.K1678T variant (also known as c.5033A>C), located in coding exon 10 of the BRCA2 gene, results from an A to C substitution at nucleotide position 5033. The lysine at codon 1678 is replaced by threonine, an amino acid with similar properties. This amino acid position is not well conserved in available vertebrate species. In addition, the in silico prediction for this alteration is inconclusive. Since supporting evidence is limited at this time, the clinical significance of this alteration remains unclear.

Department of Pathology and Laboratory Medicine, Sinai Health System
Classification: Uncertain significance for Breast-ovarian cancer, familial, susceptibility to, 2. Review status: no assertion criteria provided. Collection method: clinical testing. Allele origin: unknown. Affected: yes. Study: The Canadian Open Genetics Repository (COGR). Not counted in ClinVar's aggregate classification.
Comment: The BRCA2 p.Lys1678Thr variant was not identified in the literature nor was it identified in the NHLBI GO Exome Sequencing Project, Exome Aggregation Consortium database (March 14 2016), Clinvitae database, Fanconi Anemia Mutation Database (LOVD), ARUP Laboratories BRCA Mutations Database, COSMIC, the ClinVar database, GeneInsight COGR database and BIC database. The variant is listed in the dbSNP database (ID#: rs28897733) as â€šÃ„ÃºNAâ€šÃ„Ã¹ but no frequency information was provided, thus the prevalence of this variant in the general population could not be determined. The p.Lys1678 residue is conserved in mammals and computational analyses (PolyPhen-2, SIFT, AlignGVGD, BLOSUM, MutationTaster) provide inconsistent predictions regarding the impact to the protein; this information is not very predictive of pathogenicity. The variant occurs outside of the splicing consensus sequence and in silico or computational prediction software programs (SpliceSiteFinder, MaxEntScan, NNSPLICE, GeneSplicer, HumanSpliceFinder) do not predict a difference in splicing. In summary, based on the above information, the clinical significance of this variant cannot be determined with certainty at this time. This variant is classified as a variant of uncertain significance.